The following is an entry in ClinVar:

NM_001458.5(FLNC):c.5843-248C>T

Genes: FLNC (filamin C; plus strand), FLNC-AS1 (FLNC antisense RNA 1; minus strand). Cytogenetic location: 7q32.1.
Variant type: single nucleotide variant.
Coding change: c.5843-248C>T on transcript NM_001458.5 (MANE Select); 248 bases into the intron before coding-DNA position 5843, C replaced by T.
Molecular consequence: intron variant.
Genome position (GRCh38, 1-based): chr7:128,852,343, C>T. VCF-style: chr7-128852343-C-T. GRCh37 (hg19) VCF-style: chr7-128492397-C-T.
Other names: c.5744-248C>T (NM_001127487.2).
Identifiers: ClinVar variation 670514 (VCV000670514.1), dbSNP rs3823538, ClinGen allele CA166189659.
Genomic context (GRCh38, chr7:128,852,343, plus strand): 5'-CCAGTCTAGTGTTTTGTTATCACAACATCATGTGACTCAGGGTTAAAATGCAGGAGGTTT[C>T]CTTTAGGGATTTAGCCCACAAGGACTGAGGCAGCCACAGTGGAATTGGGGTACAGGCCCC-3'

ClinVar aggregate classification (germline): Benign (1 of 4 stars; one submission).

Allele frequency attached by ClinVar (database versions not stated): gnomAD 0.13955 and 0.14067; TOPMed 0.15544; 1000 Genomes Project 0.23482; 1000 Genomes Project 30x 0.23720.
gnomAD v4.1: 21,221 of 152,196 alleles (14%); highest among the groups gnomAD compares: East Asian, 33%; 2,846 homozygotes.

Submission:

GeneDx
Classification: Benign. Last evaluated: 2018-06-18. Review status: criteria provided, single submitter. Criteria: GeneDx Variant Classification (06012015). Collection method: clinical testing. Allele origin: germline. Affected: yes.
Comment: This variant is considered likely benign or benign based on one or more of the following criteria: it is a conservative change, it occurs at a poorly conserved position in the protein, it is predicted to be benign by multiple in silico algorithms, and/or has population frequency not consistent with disease.